The following is an entry in ClinVar:

NM_001394372.1(BICRA):c.2669C>G (p.Ser890Cys)

Gene: BICRA (BRD4 interacting chromatin remodeling complex associated protein; plus strand). Cytogenetic location: 19q13.33.
Variant type: single nucleotide variant.
Coding change: c.2669C>G on transcript NM_001394372.1 (MANE Select); coding-DNA position 2669, C replaced by G.
Protein change: p.Ser890Cys; replaces serine 890 with cysteine.
Molecular consequence: missense variant.
Genome position (GRCh38, 1-based): chr19:47,694,500, C>G. VCF-style: chr19-47694500-C-G. GRCh37 (hg19) VCF-style: chr19-48197757-C-G.
Other names: c.2669C>G, p.Ser890Cys (NM_015711.3); short protein forms S890C.
Identifiers: ClinVar variation 3902059 (VCV003902059.1).

ClinVar aggregate classification (germline): Uncertain significance (1 of 4 stars; one submission).

Conditions:
Coffin-Siris syndrome 12. Identifiers: MedGen C5444111, MONDO:0025699, OMIM 619325.

Submission:

Laboratorio de Genetica e Diagnostico Molecular, Hospital Israelita Albert Einstein
Classification: Uncertain significance for Coffin-Siris syndrome 12. Last evaluated: 2024-10-25. Review status: criteria provided, single submitter. Criteria: ACMG Guidelines, 2015. Collection method: clinical testing. Allele origin: germline. Affected: yes.
Comment: ACMG classification criteria: PM2 supporting, BP4 supporting